The following is an entry in ClinVar:

ClinVar aggregate classification (germline): Uncertain significance (1 of 4 stars; one submission).

Submission:

Labcorp Genetics (formerly Invitae), Labcorp
Classification: Uncertain significance. Last evaluated: 2025-06-12. Review status: criteria provided, single submitter. Criteria: Invitae Variant Classification Sherloc (09022015). Collection method: clinical testing. Allele origin: germline.
Comment: This sequence change replaces cysteine, which is neutral and slightly polar, with serine, which is neutral and polar, at codon 2138 of the NSD1 protein (p.Cys2138Ser). This variant is not present in population databases (gnomAD no frequency). This missense change has been observed in individual(s) with clinical features of Sotos syndrome (internal data). ClinVar contains an entry for this variant (Variation ID: 934916). Invitae Evidence Modeling of protein sequence and biophysical properties (such as structural, functional, and spatial information, amino acid conservation, physicochemical variation, residue mobility, and thermodynamic stability) indicates that this missense variant is expected to disrupt NSD1 protein function with a positive predictive value of 95%. This variant disrupts the p.Cys2138 amino acid residue in NSD1. Other variant(s) that disrupt this residue have been observed in individuals with NSD1-related conditions (PMID: 35904121), which suggests that this may be a clinically significant amino acid residue. In summary, the available evidence is currently insufficient to determine the role of this variant in disease. Therefore, it has been classified as a Variant of Uncertain Significance.

Literature cited by the submitters: PubMed 35904121.

NM_022455.5(NSD1):c.6413G>C (p.Cys2138Ser)

Gene: NSD1 (nuclear receptor binding SET domain protein 1; plus strand). Cytogenetic location: 5q35.3.
Variant type: single nucleotide variant.
Coding change: c.6413G>C on transcript NM_022455.5 (MANE Select); coding-DNA position 6413, G replaced by C.
Protein change: p.Cys2138Ser; replaces cysteine 2138 with serine.
Molecular consequence: missense variant.
Genome position (GRCh38, 1-based): chr5:177,292,108, G>C. VCF-style: chr5-177292108-G-C. GRCh37 (hg19) VCF-style: chr5-176719109-G-C.
Other names: c.5540G>C, p.Cys1847Ser (NM_001365684.2, NM_001409308.1, NM_172349.5); c.6413G>C, p.Cys2138Ser (NM_001409301.1, NM_001409302.1, NM_001409303.1); c.5993G>C, p.Cys1998Ser (NM_001409304.1); c.5660G>C, p.Cys1887Ser (NM_001409305.1); c.5651G>C, p.Cys1884Ser (NM_001409306.1, NM_001409307.1); c.5291G>C, p.Cys1764Ser (NM_001409309.1); short protein forms C1869S, C2138S, C1764S, C1847S, C1884S, C1998S, C1887S.
Identifiers: ClinVar variation 934916 (VCV000934916.10), dbSNP rs587784195, ClinGen allele CA362320896.